The following is an entry in ClinVar:

ClinVar aggregate classification (germline): Uncertain significance (1 of 4 stars; one submission).

gnomAD v4.1: 1 of 1,609,188 alleles (0.000062%); highest among the groups gnomAD compares: Admixed American, 0.0017%; no homozygotes.

Submission:

Women's Health and Genetics/Laboratory Corporation of America, LabCorp
Classification: Uncertain significance. Last evaluated: 2026-06-23. Review status: criteria provided, single submitter. Criteria: LabCorp Variant Classification Summary - May 2015. Collection method: clinical testing. Allele origin: germline.
Comment: Variant summary: VPS13C c.1072A>G (p.Arg358Gly) results in a non-conservative amino acid change in the encoded protein sequence. Algorithms developed to predict the effect of missense changes on protein structure and function are either unavailable or do not agree on the potential impact of this missense change. The variant allele was found at a frequency of 4e-06 in 248312 control chromosomes. The available data on variant occurrences in the general population are insufficient to allow any conclusion about variant significance. To our knowledge, no occurrence of c.1072A>G in individuals affected with VPS13C-related conditions and no experimental evidence demonstrating its impact on protein function have been reported. No submitters have cited clinical-significance assessments for this variant to ClinVar. Based on the evidence outlined above, the variant was classified as uncertain significance.

NM_020821.3(VPS13C):c.1072A>G (p.Arg358Gly)

Gene: VPS13C (vacuolar protein sorting 13 homolog C; minus strand). Cytogenetic location: 15q22.2.
Variant type: single nucleotide variant.
Coding change: c.1072A>G on transcript NM_020821.3 (MANE Select); coding-DNA position 1072, A replaced by G.
Protein change: p.Arg358Gly; replaces arginine 358 with glycine.
Molecular consequence: missense variant.
Genome position (GRCh38, 1-based): chr15:62,008,701, T>C on the plus strand (A>G on the coding strand, the complement: VPS13C is on the minus strand). VCF-style: chr15-62008701-T-C. GRCh37 (hg19) VCF-style: chr15-62300900-T-C.
Other names: c.1072A>G, p.Arg358Gly (NM_001018088.3); c.943A>G, p.Arg315Gly (NM_017684.5, NM_018080.4); short protein forms R315G, R358G.
Identifiers: ClinVar variation 4887733 (VCV004887733.1).